The following is an entry in ClinVar:

NM_001111.5(ADAR):c.1824CTT[1] (p.Phe610del)

Gene: ADAR (adenosine deaminase RNA specific; minus strand). Cytogenetic location: 1q21.3.
Variant type: Microsatellite.
Coding change: c.1824CTT[1] on transcript NM_001111.5 (MANE Select); one copy of the 3-base unit CTT starting at c.1824; the reference has two copies in a row; one copy, 3 bases deleted; also written c.1827_1829del.
Protein change: p.Phe610del; deletes phenylalanine 610.
Molecular consequence: inframe deletion.
Genome position (GRCh38, 1-based): chr1:154,597,933-154,597,935, AAG deleted on the plus strand (CTT on the coding strand, the reverse complement: ADAR is on the minus strand); deleting any 3 consecutive bases within chr1:154,597,933-154,597,938 gives the same sequence; the position shown is the placement nearest the transcript's 3' end. VCF-style (leftmost placement, unchanged base first): chr1-154597932-AAAG-A. GRCh37 (hg19) VCF-style: chr1-154570408-AAAG-A.
Other names: c.939CTT[1], p.Phe315del (NM_001365048.1, NM_001365049.1, NM_001025107.3 and 3 more transcripts); c.1824CTT[1], p.Phe610del (NM_015840.4, NM_015841.4); c.1827_1829del (NM_001111.5); c.1851CTT[1], p.Phe619del (NM_001365045.1); short protein forms F619del, F610del, F315del.
Identifiers: ClinVar variation 640669 (VCV000640669.7), dbSNP rs759833046, ClinGen allele CA1131448.

ClinVar aggregate classification (germline): Uncertain significance. Review status: criteria provided, multiple submitters, no conflicts (2 of 4 stars). 2 submissions from 2 submitters: Uncertain significance (2). Last evaluated 2026-02-14.

Conditions:
Aicardi-Goutieres syndrome 6 (AGS6). Identifiers: Orphanet 51, MedGen C3539013, MONDO:0014007, OMIM 615010.
Symmetrical dyschromatosis of extremities (DSH). Also called: DYSCHROMATOSIS SYMMETRICA HEREDITARIA 1; RETICULATE ACROPIGMENTATION OF DOHI; SYMMETRIC DYSCHROMATOSIS OF THE EXTREMITIES; Dyschromatosis symmetrica hereditaria. Identifiers: Orphanet 41, MedGen C0406775, MONDO:0007483, OMIM 127400.

Submissions (2):

Clinical Genomics Laboratory, Washington University in St. Louis
Classification: Uncertain significance for Aicardi-Goutieres syndrome 6; Symmetrical dyschromatosis of extremities. Last evaluated: 2026-02-14. Review status: criteria provided, single submitter. Criteria: ACMG Guidelines, 2015. Collection method: clinical testing. Allele origin: germline.
Comment: The homozygous ADAR c.1827_1829del (p.Phe610del) variant, to our knowledge, has not been reported in the medical literature. This variant has been reported in the ClinVar database as a germline variant of uncertain significance by one submitter. The highest population minor allele frequency in the population database genome aggregation database (v.2.1.1) is 0.09%% in the East Asian population. This variant is predicted to cause a change in the length of the protein due to an in-frame deletion of one amino acid in a non-repeat region. Due to limited information, and based on ACMG/AMP guidelines for variant interpretation (Richards S et al., PMID: 25741868), the clinical significance of this variant is uncertain at this time.

Labcorp Genetics (formerly Invitae), Labcorp
Classification: Uncertain significance for Aicardi-Goutieres syndrome 6; Symmetrical dyschromatosis of extremities. Last evaluated: 2025-10-27. Review status: criteria provided, single submitter. Criteria: Invitae Variant Classification Sherloc (09022015). Collection method: clinical testing. Allele origin: germline.
Comment: This variant, c.1827_1829del, results in the deletion of 1 amino acid(s) of the ADAR protein (p.Phe610del), but otherwise preserves the integrity of the reading frame. This variant is present in population databases (rs759833046, gnomAD 0.09%). This variant has not been reported in the literature in individuals affected with ADAR-related conditions. Experimental studies and prediction algorithms are not available or were not evaluated, and the functional significance of this variant is currently unknown. In summary, the available evidence is currently insufficient to determine the role of this variant in disease. Therefore, it has been classified as a Variant of Uncertain Significance.